The following is an entry in ClinVar:

NM_004385.5(VCAN):c.9884C>T (p.Ala3295Val)

Gene: VCAN (versican; plus strand). Cytogenetic location: 5q14.3.
Variant type: single nucleotide variant.
Coding change: c.9884C>T on transcript NM_004385.5 (MANE Select); coding-DNA position 9884, C replaced by T.
Protein change: p.Ala3295Val; replaces alanine 3295 with valine.
Molecular consequence: missense variant.
Genome position (GRCh38, 1-based): chr5:83,579,983, C>T. VCF-style: chr5-83579983-C-T. GRCh37 (hg19) VCF-style: chr5-82875802-C-T.
Other names: c.1661C>T, p.Ala554Val (NM_001126336.3); c.6923C>T, p.Ala2308Val (NM_001164097.2); c.4622C>T, p.Ala1541Val (NM_001164098.2); short protein forms A1541V, A2308V, A554V, A3295V.
Identifiers: ClinVar variation 1487430 (VCV001487430.1), dbSNP rs1748611424, ClinGen allele CA360300479.
Genomic context (GRCh38, chr5:83,579,983, plus strand): 5'-TCATATTAGTTGAAATACTTAGATTATTTGGAAATAACCCAATTTGCTTTCCTTTAGTCG[C>T]TTGCGGCCAGCCCCCTGTTGTAGAAAATGCCAAGACCTTTGGAAAGATGAAACCTCGTTA-3'
Protein context (NP_004376.2, residues 3285-3305): LTYTCKKGTV[Ala3295Val]CGQPPVVENA

ClinVar aggregate classification (germline): Uncertain significance (1 of 4 stars; one submission).

Allele frequency attached by ClinVar (database versions not stated): gnomAD exomes below 0.00001; gnomAD 0.00001; TOPMed 0.00002.

Submission:

Labcorp Genetics (formerly Invitae), Labcorp
Classification: Uncertain significance. Last evaluated: 2021-07-28. Review status: criteria provided, single submitter. Criteria: Invitae Variant Classification Sherloc (09022015). Collection method: clinical testing. Allele origin: germline.
Comment: This sequence change replaces alanine with valine at codon 3295 of the VCAN protein (p.Ala3295Val). The alanine residue is highly conserved and there is a small physicochemical difference between alanine and valine. This variant is not present in population databases (ExAC no frequency). This variant has not been reported in the literature in individuals affected with VCAN-related conditions. Algorithms developed to predict the effect of missense changes on protein structure and function are either unavailable or do not agree on the potential impact of this missense change (SIFT: "Deleterious"; PolyPhen-2: "Possibly Damaging"; Align-GVGD: "Class C0"). In summary, the available evidence is currently insufficient to determine the role of this variant in disease. Therefore, it has been classified as a Variant of Uncertain Significance.